The following is an entry in ClinVar:

ClinVar aggregate classification (germline): Likely benign. Review status: criteria provided, multiple submitters, no conflicts (2 of 4 stars). 2 submissions from 2 submitters: Likely benign (2). Last evaluated 2025-12-22.

Conditions:
Mendelian susceptibility to mycobacterial diseases due to complete IL12RB1 deficiency. Also called: IL12RB1 DEFICIENCY; Immunodeficiency 30. Identifiers: Orphanet 319552, MedGen C4013949, MONDO:0013955, OMIM 614891.

Allele frequency attached by ClinVar (database versions not stated): TOPMed 0.00003; ExAC 0.00004; gnomAD 0.00004; gnomAD exomes 0.00008.
gnomAD v4.1: 42 of 1,613,230 alleles (0.0026%); highest among the groups gnomAD compares: Admixed American, 0.037%; no homozygotes.

Submissions (2):

Labcorp Genetics (formerly Invitae), Labcorp
Classification: Likely benign for Mendelian susceptibility to mycobacterial diseases due to complete IL12RB1 deficiency. Last evaluated: 2025-12-22. Review status: criteria provided, single submitter. Criteria: Invitae Variant Classification Sherloc (09022015). Collection method: clinical testing. Allele origin: germline.

CeGaT Center for Human Genetics Tuebingen
Classification: Likely benign. Last evaluated: 2022-10-01. Review status: criteria provided, single submitter. Criteria: CeGaT Center For Human Genetics Tuebingen Variant Classification Criteria Version 2. Collection method: clinical testing. Allele origin: germline. Affected: yes. Observed: 1 variant allele.
Comment: IL12RB1: BP4, BP7

NM_005535.3(IL12RB1):c.267C>T (p.Phe89=)

Gene: IL12RB1 (interleukin 12 receptor subunit beta 1; minus strand). Cytogenetic location: 19p13.11.
Variant type: single nucleotide variant.
Coding change: c.267C>T on transcript NM_005535.3 (MANE Select); coding-DNA position 267, C replaced by T.
Protein change: p.Phe89=; no amino-acid change (phenylalanine 89 retained).
Molecular consequence: synonymous variant.
Genome position (GRCh38, 1-based): chr19:18,080,974, G>A on the plus strand (C>T on the coding strand, the complement: IL12RB1 is on the minus strand). VCF-style: chr19-18080974-G-A. GRCh37 (hg19) VCF-style: chr19-18191784-G-A.
Other names: c.267C>T, p.Phe89= (NM_001290023.2, NM_153701.3); c.387C>T, p.Phe129= (NM_001290024.2).
Identifiers: ClinVar variation 1133096 (VCV001133096.32), dbSNP rs375546243, ClinGen allele CA9305271.
Genomic context (GRCh38, chr19:18,080,974, plus strand): 5'-GTACAGCACAGACACCCCAGCCTGGTCGGAGAACTGCAGCCTGGTGGCTGAGCCGGCGGC[G>A]AAGTAGCAGCAGCGCCCGGAGCTAAGGCTGCAGCAGGAAGGAGGGTGTCAGTGCCGAGTC-3'
Protein context (NP_005526.1, residues 79-99): CCLSSGRCCY[Phe89=]AAGSATRLQF